The following is an entry in ClinVar:

ClinVar aggregate classification (germline): Benign/Likely benign. Review status: criteria provided, multiple submitters, no conflicts (2 of 4 stars). 9 submissions from 9 submitters: Benign (2); Likely benign (4). 3 of the submissions do not count toward it. Last evaluated 2026-08-01.

Conditions:
Imerslund-Grasbeck syndrome type 1 (IGS1). Also called: MEGALOBLASTIC ANEMIA, 1; Imerslund-Gräsbeck syndrome 1; Megaloblastic anemia 1, Finnish type. Identifiers: MedGen C4016819, MONDO:0100156, OMIM 261100.
Imerslund-Grasbeck syndrome. Also called: Megaloblastic anemia due to inborn errors of metabolism; Imerslund-Gräsbeck syndrome; ENTEROCYTE COBALAMIN MALABSORPTION; ENTEROCYTE INTRINSIC FACTOR RECEPTOR, DEFECT OF; PERNICIOUS ANEMIA, JUVENILE, DUE TO SELECTIVE INTESTINAL MALABSORPTION OF VITAMIN B12, WITH PROTEINURIA. Identifiers: Orphanet 35858, MedGen C4551825, MONDO:0009853.
CUBN-related disorder. Also called: CUBN-related condition.

Allele frequency attached by ClinVar (database versions not stated): 1000 Genomes Project 30x 0.00250; 1000 Genomes Project 0.00260; TOPMed 0.00542; gnomAD 0.00558 and 0.00569; gnomAD exomes 0.00562; ExAC 0.00566; ESP Exome Variant Server 0.00638.
gnomAD v4.1: 10,816 of 1,614,016 alleles (0.67%); highest among the groups gnomAD compares: Non-Finnish European, 0.8%; 46 homozygotes.

Submissions (9):

CeGaT Center for Human Genetics Tuebingen
Classification: Likely benign. Last evaluated: 2026-08-01. Review status: criteria provided, single submitter. Criteria: CeGaT Center For Human Genetics Tuebingen Variant Classification Criteria Version 2. Collection method: clinical testing. Allele origin: germline. Affected: yes. Observed: 8 variant alleles.
Comment: CUBN: BP4, BS2

Labcorp Genetics (formerly Invitae), Labcorp
Classification: Benign for Imerslund-Grasbeck syndrome. Last evaluated: 2026-01-30. Review status: criteria provided, single submitter. Criteria: Invitae Variant Classification Sherloc (09022015). Collection method: clinical testing. Allele origin: germline.

ARUP Laboratories, Molecular Genetics and Genomics, ARUP Laboratories
Classification: Likely benign. Last evaluated: 2025-07-02. Review status: criteria provided, single submitter. Criteria: ARUP Molecular Germline Variant Investigation Process 2024. Collection method: clinical testing. Allele origin: germline.

GeneDx
Classification: Benign. Last evaluated: 2021-01-28. Review status: criteria provided, single submitter. Criteria: GeneDx Variant Classification Process June 2021. Collection method: clinical testing. Allele origin: germline. Affected: yes.

Illumina Laboratory Services, Illumina
Classification: Likely benign for Imerslund-Grasbeck syndrome type 1. Last evaluated: 2018-01-13. Review status: criteria provided, single submitter. Criteria: ICSL Variant Classification Criteria 13 December 2019. Collection method: clinical testing. Allele origin: germline.
Comment: This variant was observed in the ICSL laboratory as part of a predisposition screen in an ostensibly healthy population. It had not been previously curated by ICSL or reported in the Human Gene Mutation Database (HGMD: prior to June 1st, 2018), and was therefore a candidate for classification through an automated scoring system. Utilizing variant allele frequency, disease prevalence and penetrance estimates, and inheritance mode, an automated score was calculated to assess if this variant is too frequent to cause the disease. Based on the score and internal cut-off values, a variant classified as likely benign is not then subjected to further curation. The score for this variant resulted in a classification of likely benign for this disease.

Breakthrough Genomics
Classification: Likely benign. Review status: criteria provided, single submitter. Criteria: ACMG Guidelines, 2015. Collection method: not provided. Allele origin: germline. Inheritance: Autosomal recessive inheritance. Affected: yes.

PreventionGenetics, part of Exact Sciences
Classification: Benign for CUBN-related condition. Last evaluated: 2022-09-01. Review status: no assertion criteria provided. Collection method: clinical testing. Allele origin: germline. Not counted in ClinVar's aggregate classification.
Comment: This variant is classified as benign based on ACMG/AMP sequence variant interpretation guidelines (Richards et al. 2015 PMID: 25741868, with internal and published modifications).

Clinical Genetics DNA and cytogenetics Diagnostics Lab, Erasmus MC, Erasmus Medical Center
Classification: Likely benign. Review status: no assertion criteria provided. Collection method: clinical testing. Allele origin: germline. Affected: yes. Study: VKGL Data-share Consensus. Not counted in ClinVar's aggregate classification.

Diagnostic Laboratory, Department of Genetics, University Medical Center Groningen
Classification: Likely benign. Review status: no assertion criteria provided. Collection method: clinical testing. Allele origin: germline. Affected: yes. Study: VKGL Data-share Consensus. Not counted in ClinVar's aggregate classification.

NM_001081.4(CUBN):c.7365T>A (p.Asp2455Glu)

Gene: CUBN (cubilin; minus strand). Cytogenetic location: 10p13.
Variant type: single nucleotide variant.
Coding change: c.7365T>A on transcript NM_001081.4 (MANE Select); coding-DNA position 7365, T replaced by A.
Protein change: p.Asp2455Glu; replaces aspartic acid 2455 with glutamic acid.
Molecular consequence: missense variant.
Genome position (GRCh38, 1-based): chr10:16,913,979, A>T on the plus strand (T>A on the coding strand, the complement: CUBN is on the minus strand). VCF-style: chr10-16913979-A-T. GRCh37 (hg19) VCF-style: chr10-16955978-A-T.
Other names: short protein forms D2455E.
Identifiers: ClinVar variation 299424 (VCV000299424.43), dbSNP rs117128556, ClinGen allele CA5423384.